The following is an entry in ClinVar:

NM_024753.5(TTC21B):c.226G>T (p.Ala76Ser)

Gene: TTC21B (tetratricopeptide repeat domain 21B; minus strand). Cytogenetic location: 2q24.3.
Variant type: single nucleotide variant.
Coding change: c.226G>T on transcript NM_024753.5 (MANE Select); coding-DNA position 226, G replaced by T.
Protein change: p.Ala76Ser; replaces alanine 76 with serine.
Molecular consequence: missense variant.
Genome position (GRCh38, 1-based): chr2:165,949,430, C>A on the plus strand (G>T on the coding strand, the complement: TTC21B is on the minus strand). VCF-style: chr2-165949430-C-A. GRCh37 (hg19) VCF-style: chr2-166805940-C-A.
Other names: short protein forms A76S.
Identifiers: ClinVar variation 1379802 (VCV001379802.8), dbSNP rs1272269691, ClinGen allele CA349055528.
Genomic context (GRCh38, chr2:165,949,430, plus strand): 5'-AAGCATTGCATTTAAATATCATACCTGGATTAGGACTCATTTTATGGGCATATATCAGTG[C>A]AAGTAGAGAACAAAGTGATACATCTTGTTTATTTTTAATAGCCTCAAATTCTCGAAGAGC-3'
Protein context (NP_079029.3, residues 66-86): KQDVSLCSLL[Ala76Ser]LIYAHKMSPN

ClinVar aggregate classification (germline): Uncertain significance (1 of 4 stars; one submission).

Conditions:
Nephronophthisis. Also called: Juvenile Nephronophthisis. Identifiers: Orphanet 655, MedGen C0687120, MONDO:0019005, HP:0000090.
Jeune thoracic dystrophy. Also called: Jeune syndrome; Infantile thoracic dystrophy; Thoracic pelvic phalangeal dystrophy; Jeune's syndrome; Chondroectodermal dysplasia-like syndrome; Short-rib thoracic dysplasia. Identifiers: Orphanet 474, MedGen C0265275, MONDO:0018770.

Allele frequency attached by ClinVar (database versions not stated): TOPMed below 0.00001; gnomAD 0.00001; gnomAD exomes 0.00001.
gnomAD v4.1: 8 of 1,613,496 alleles (0.0005%); highest among the groups gnomAD compares: Non-Finnish European, 0.00059%; no homozygotes.

Submission:

Labcorp Genetics (formerly Invitae), Labcorp
Classification: Uncertain significance for Jeune thoracic dystrophy; Nephronophthisis. Last evaluated: 2022-02-08. Review status: criteria provided, single submitter. Criteria: Invitae Variant Classification Sherloc (09022015). Collection method: clinical testing. Allele origin: germline.
Comment: Algorithms developed to predict the effect of missense changes on protein structure and function are either unavailable or do not agree on the potential impact of this missense change (SIFT: "Deleterious"; PolyPhen-2: "Possibly Damaging"; Align-GVGD: "Class C0"). In summary, the available evidence is currently insufficient to determine the role of this variant in disease. Therefore, it has been classified as a Variant of Uncertain Significance. This variant has not been reported in the literature in individuals affected with TTC21B-related conditions. This variant is not present in population databases (gnomAD no frequency). This sequence change replaces alanine, which is neutral and non-polar, with serine, which is neutral and polar, at codon 76 of the TTC21B protein (p.Ala76Ser).